The following is an entry in ClinVar:

ClinVar aggregate classification (germline): Pathogenic. Review status: criteria provided, single submitter (1 of 4 stars). 3 submissions from 3 submitters: Pathogenic (1). 2 of the submissions do not count toward it. Last evaluated 2024-09-10.

Allele frequency attached by ClinVar (database versions not stated): gnomAD exomes 0.00001; gnomAD 0.00002; ExAC 0.00002.

Submissions (3):

GeneDx
Classification: Pathogenic. Last evaluated: 2024-09-10. Review status: criteria provided, single submitter. Criteria: GeneDx Variant Classification Process June 2021. Collection method: clinical testing. Allele origin: germline. Affected: yes.
Comment: Canonical splice site variant predicted to result in a null allele in a gene for which loss of function is a known mechanism of disease; Has not been previously published as pathogenic or benign to our knowledge

Clinical Genetics DNA and cytogenetics Diagnostics Lab, Erasmus MC, Erasmus Medical Center
Classification: Pathogenic. Review status: no assertion criteria provided. Collection method: clinical testing. Allele origin: germline. Affected: yes. Study: VKGL Data-share Consensus. Not counted in ClinVar's aggregate classification.

Joint Genome Diagnostic Labs from Nijmegen and Maastricht, Radboudumc and MUMC+
Classification: Pathogenic. Review status: no assertion criteria provided. Collection method: clinical testing. Allele origin: germline. Affected: yes. Study: VKGL Data-share Consensus. Not counted in ClinVar's aggregate classification.

NM_153700.2(STRC):c.3794+1G>A

Gene: STRC (stereocilin; minus strand). Cytogenetic location: 15q15.3.
Variant type: single nucleotide variant.
Coding change: c.3794+1G>A on transcript NM_153700.2 (MANE Select); the canonical splice donor site of the intron after coding-DNA position 3794, G replaced by A.
Molecular consequence: splice donor variant.
Genome position (GRCh38, 1-based): chr15:43,607,862, C>T on the plus strand (G>A on the coding strand, the complement: STRC is on the minus strand). VCF-style: chr15-43607862-C-T. GRCh37 (hg19) VCF-style: chr15-43900060-C-T.
Identifiers: ClinVar variation 1299973 (VCV001299973.3), dbSNP rs777192662, ClinGen allele CA7528231.